The following is an entry in ClinVar:

NM_020988.3(GNAO1):c.58G>A (p.Glu20Lys)

Gene: GNAO1 (G protein subunit alpha o1; plus strand). Cytogenetic location: 16q13.
Variant type: single nucleotide variant.
Coding change: c.58G>A on transcript NM_020988.3 (MANE Select); coding-DNA position 58, G replaced by A.
Protein change: p.Glu20Lys; replaces glutamic acid 20 with lysine.
Molecular consequence: missense variant.
Genome position (GRCh38, 1-based): chr16:56,192,293, G>A. VCF-style: chr16-56192293-G-A. GRCh37 (hg19) VCF-style: chr16-56226205-G-A.
Other names: c.58G>A, p.Glu20Lys (NM_138736.3); short protein forms E20K.
Identifiers: ClinVar variation 946388 (VCV000946388.11), dbSNP rs2036182701, ClinGen allele CA396128413.

ClinVar aggregate classification (germline): Conflicting classifications of pathogenicity. Review status: criteria provided, conflicting classifications (1 of 4 stars). 2 submissions from 2 submitters: Likely pathogenic (1); Uncertain significance (1). Last evaluated 2022-08-22.

Conditions:
Early-infantile DEE. Also called: Early infantile epileptic encephalopathy; Ohtahara syndrome; Early infantile epileptic encephalopathy with suppression bursts. Identifiers: Orphanet 1934, MedGen C0393706, MONDO:0800491.
Inborn genetic diseases. Identifiers: MedGen C0950123, MeSH D030342.

Submissions (2):

Ambry Genetics
Classification: Uncertain significance for Inborn genetic diseases. Last evaluated: 2022-08-22. Review status: criteria provided, single submitter. Criteria: Ambry Variant Classification Scheme 2023. Collection method: clinical testing. Allele origin: germline.
Comment: The c.58G>A (p.E20K) alteration is located in exon 1 (coding exon 1) of the GNAO1 gene. This alteration results from a G to A substitution at nucleotide position 58, causing the glutamic acid (E) at amino acid position 20 to be replaced by a lysine (K). This variant was not reported in population-based cohorts in the Genome Aggregation Database (gnomAD). This amino acid position is well conserved in available vertebrate species. This missense alteration is located in a region that has a low rate of benign missense variation (Lek, 2016; Firth, 2009). The in silico prediction for this alteration is inconclusive. Based on insufficient or conflicting evidence, the clinical significance of this alteration remains unclear.

Labcorp Genetics (formerly Invitae), Labcorp
Classification: Likely pathogenic for Early-infantile DEE. Last evaluated: 2022-02-01. Review status: criteria provided, single submitter. Criteria: Invitae Variant Classification Sherloc (09022015). Collection method: clinical testing. Allele origin: germline.
Comment: Algorithms developed to predict the effect of missense changes on protein structure and function are either unavailable or do not agree on the potential impact of this missense change (SIFT: "Deleterious"; PolyPhen-2: "Possibly Damaging"; Align-GVGD: "Class C0"). ClinVar contains an entry for this variant (Variation ID: 946388). This missense change has been observed in individual(s) with clinical features of GNAO1-related conditions (Invitae). In at least one individual the variant was observed to be de novo. This variant is not present in population databases (gnomAD no frequency). This sequence change replaces glutamic acid, which is acidic and polar, with lysine, which is basic and polar, at codon 20 of the GNAO1 protein (p.Glu20Lys). In summary, the currently available evidence indicates that the variant is pathogenic, but additional data are needed to prove that conclusively. Therefore, this variant has been classified as Likely Pathogenic.